The following is an entry in ClinVar:

ClinVar aggregate classification (germline): Likely benign (1 of 4 stars; one submission).

Allele frequency attached by ClinVar (database versions not stated): gnomAD exomes below 0.00001.
gnomAD v4.1: 1 of 1,044,616 alleles (0.000096%); highest among the groups gnomAD compares: South Asian, 0.0045%; no homozygotes.

Submission:

CeGaT Center for Human Genetics Tuebingen
Classification: Likely benign. Last evaluated: 2023-04-01. Review status: criteria provided, single submitter. Criteria: CeGaT Center For Human Genetics Tuebingen Variant Classification Criteria Version 2. Collection method: clinical testing. Allele origin: germline. Affected: yes. Observed: 1 variant allele.
Comment: STK11: PM2:Supporting, BP4, BP7

NM_000455.5(STK11):c.1108+527C>T

Gene: STK11 (serine/threonine kinase 11; plus strand). Cytogenetic location: 19p13.3.
Variant type: single nucleotide variant.
Coding change: c.1108+527C>T on transcript NM_000455.5 (MANE Select); 527 bases into the intron after coding-DNA position 1108, C replaced by T.
Molecular consequence: intron variant. On other transcripts: synonymous variant (1).
Genome position (GRCh38, 1-based): chr19:1,223,699, C>T. VCF-style: chr19-1223699-C-T. GRCh37 (hg19) VCF-style: chr19-1223698-C-T.
Other names: c.1170C>T, p.Gly390= (NM_001407255.1).
Identifiers: ClinVar variation 2571024 (VCV002571024.27), dbSNP rs2512950304, ClinGen allele CA2580612581.